The following is an entry in ClinVar:

NM_000321.3(RB1):c.2679A>G (p.Gly893=)

Gene: RB1 (RB transcriptional corepressor 1; plus strand). Cytogenetic location: 13q14.2.
Variant type: single nucleotide variant.
Coding change: c.2679A>G on transcript NM_000321.3 (MANE Select); coding-DNA position 2679, A replaced by G.
Protein change: p.Gly893=; no amino-acid change (glycine 893 retained).
Molecular consequence: synonymous variant.
Genome position (GRCh38, 1-based): chr13:48,477,370, A>G. VCF-style: chr13-48477370-A-G. GRCh37 (hg19) VCF-style: chr13-49051506-A-G.
Identifiers: ClinVar variation 821661 (VCV000821661.17), dbSNP rs751718011, ClinGen allele CA037013.

ClinVar aggregate classification (germline): Benign/Likely benign. Review status: criteria provided, multiple submitters, no conflicts (2 of 4 stars). 6 submissions from 6 submitters: Benign (1); Likely benign (5). Last evaluated 2026-06-25.

Conditions:
Hereditary cancer-predisposing syndrome. Also called: Neoplastic Syndromes, Hereditary; Tumor predisposition; Hereditary Cancer Syndrome; Hereditary neoplastic syndrome. Identifiers: Orphanet 140162, MedGen C0027672, MeSH D009386, MONDO:0015356.
Retinoblastoma (RB1). Also called: RETINOBLASTOMA, SOMATIC. Identifiers: Orphanet 790, MedGen C0035335, MeSH D012175, MONDO:0008380, OMIM 180200, HP:0009919. Disease mechanism: loss of function. Inheritance: Both sporadic and heritable forms are tested..

Allele frequency attached by ClinVar (database versions not stated): gnomAD exomes below 0.00001 and 0.00001; ExAC 0.00001; TOPMed 0.00001; gnomAD 0.00003.
gnomAD v4.1: 10 of 1,609,842 alleles (0.00062%); highest among the groups gnomAD compares: Non-Finnish European, 0.00076%; no homozygotes.

Submissions (6):

Myriad Genetics, Inc.
Classification: Benign for Retinoblastoma. Last evaluated: 2026-06-25. Review status: criteria provided, single submitter. Criteria: Myriad Autosomal Dominant, Autosomal Recessive and X-Linked Classification Criteria (2023). Collection method: clinical testing. Allele origin: unknown.
Comment: This variant is considered benign. This variant is a silent/synonymous amino acid change and it is not expected to impact splicing.

Labcorp Genetics (formerly Invitae), Labcorp
Classification: Likely benign for Retinoblastoma. Last evaluated: 2024-12-30. Review status: criteria provided, single submitter. Criteria: Invitae Variant Classification Sherloc (09022015). Collection method: clinical testing. Allele origin: germline.

All of Us Research Program, National Institutes of Health
Classification: Likely benign for Retinoblastoma. Last evaluated: 2023-12-13. Review status: criteria provided, single submitter. Criteria: ACMG Guidelines, 2015. Collection method: clinical testing. Allele origin: germline. Inheritance: Autosomal dominant inheritance. Observed: 3 variant alleles, 3 heterozygotes.
Comment: This study involves interpretation of variants in research participants for the purpose of population health screening. Participant phenotype was not available at the time of variant classification. Additional details can be found in publication PMID: 35346344, PMCID: PMC8962531

Color Diagnostics, LLC DBA Color Health
Classification: Likely benign for Retinoblastoma. Last evaluated: 2022-05-12. Review status: criteria provided, single submitter. Criteria: ACMG Guidelines, 2015. Collection method: clinical testing. Allele origin: germline.

Blueprint Genetics
Classification: Likely benign. Last evaluated: 2021-04-08. Review status: criteria provided, single submitter. Criteria: ACMG Guidelines, 2015. Collection method: clinical testing. Allele origin: germline.

Ambry Genetics
Classification: Likely benign for Hereditary cancer-predisposing syndrome. Last evaluated: 2019-09-30. Review status: criteria provided, single submitter. Criteria: Ambry Variant Classification Scheme 2023. Collection method: clinical testing. Allele origin: germline.